The following is an entry in ClinVar:

NM_031471.6(FERMT3):c.28G>A (p.Asp10Asn)

Gene: FERMT3 (FERM domain containing kindlin 3; plus strand). Cytogenetic location: 11q13.1.
Variant type: single nucleotide variant.
Coding change: c.28G>A on transcript NM_031471.6 (MANE Select); coding-DNA position 28, G replaced by A.
Protein change: p.Asp10Asn; replaces aspartic acid 10 with asparagine.
Molecular consequence: missense variant.
Genome position (GRCh38, 1-based): chr11:64,207,392, G>A. VCF-style: chr11-64207392-G-A. GRCh37 (hg19) VCF-style: chr11-63974864-G-A.
Other names: c.28G>A, p.Asp10Asn (NM_001382361.1, NM_001382362.1, NM_001382448.1 and 1 more transcripts); short protein forms D10N.
Identifiers: ClinVar variation 1477670 (VCV001477670.6), dbSNP rs141640835, ClinGen allele CA6068612.

ClinVar aggregate classification (germline): Uncertain significance (1 of 4 stars; one submission).

Conditions:
Leukocyte adhesion deficiency 3. Also called: Leukocyte adhesion deficiency, type III; INTEGRIN ACTIVATION DEFICIENCY DISEASE; LEUKOCYTE ADHESION DEFICIENCY 1 VARIANT. Identifiers: Orphanet 2968, Orphanet 99844, MedGen C2748536, MONDO:0013016, OMIM 612840.

Allele frequency attached by ClinVar (database versions not stated): ExAC 0.00001; gnomAD exomes 0.00001; gnomAD 0.00002; TOPMed 0.00004; ESP Exome Variant Server 0.00008.
gnomAD v4.1: 23 of 1,614,068 alleles (0.0014%); highest among the groups gnomAD compares: Non-Finnish European, 0.0019%; no homozygotes.

Submission:

Labcorp Genetics (formerly Invitae), Labcorp
Classification: Uncertain significance for Leukocyte adhesion deficiency 3. Last evaluated: 2025-06-10. Review status: criteria provided, single submitter. Criteria: Invitae Variant Classification Sherloc (09022015). Collection method: clinical testing. Allele origin: germline.
Comment: This sequence change replaces aspartic acid, which is acidic and polar, with asparagine, which is neutral and polar, at codon 10 of the FERMT3 protein (p.Asp10Asn). This variant is present in population databases (rs141640835, gnomAD 0.002%). This variant has not been reported in the literature in individuals affected with FERMT3-related conditions. ClinVar contains an entry for this variant (Variation ID: 1477670). Invitae Evidence Modeling of protein sequence and biophysical properties (such as structural, functional, and spatial information, amino acid conservation, physicochemical variation, residue mobility, and thermodynamic stability) indicates that this missense variant is not expected to disrupt FERMT3 protein function with a negative predictive value of 80%. In summary, the available evidence is currently insufficient to determine the role of this variant in disease. Therefore, it has been classified as a Variant of Uncertain Significance.